The following is an entry in ClinVar:

NM_006904.7(PRKDC):c.835G>A (p.Ala279Thr)

Gene: PRKDC (protein kinase, DNA-activated, catalytic subunit; minus strand). Cytogenetic location: 8q11.21.
Variant type: single nucleotide variant.
Coding change: c.835G>A on transcript NM_006904.7 (MANE Select); coding-DNA position 835, G replaced by A.
Protein change: p.Ala279Thr; replaces alanine 279 with threonine.
Molecular consequence: missense variant.
Genome position (GRCh38, 1-based): chr8:47,943,340, C>T on the plus strand (G>A on the coding strand, the complement: PRKDC is on the minus strand). VCF-style: chr8-47943340-C-T. GRCh37 (hg19) VCF-style: chr8-48855900-C-T.
Other names: c.835G>A, p.Ala279Thr (NM_001081640.2); short protein forms A279T.
Identifiers: ClinVar variation 1047418 (VCV001047418.7), dbSNP rs1302651751, ClinGen allele CA371136273.

ClinVar aggregate classification (germline): Uncertain significance. Review status: criteria provided, multiple submitters, no conflicts (2 of 4 stars). 2 submissions from 2 submitters: Uncertain significance (2). Last evaluated 2022-03-20.

Conditions:
Severe combined immunodeficiency due to DNA-PKcs deficiency. Also called: IMMUNODEFICIENCY 26 WITH NEUROLOGIC ABNORMALITIES; Immunodeficiency 26 with or without neurologic abnormalities. Identifiers: Orphanet 317425, MedGen C4014833, MONDO:0014423, OMIM 615966.

Allele frequency attached by ClinVar (database versions not stated): gnomAD exomes below 0.00001; TOPMed below 0.00001; gnomAD 0.00001.
gnomAD v4.1: 2 of 1,608,888 alleles (0.00012%); highest among the groups gnomAD compares: East Asian, 0.0022%; no homozygotes.

Submissions (2):

Labcorp Genetics (formerly Invitae), Labcorp
Classification: Uncertain significance for Severe combined immunodeficiency due to DNA-PKcs deficiency. Last evaluated: 2022-03-20. Review status: criteria provided, single submitter. Criteria: Invitae Variant Classification Sherloc (09022015). Collection method: clinical testing. Allele origin: germline.
Comment: This sequence change replaces alanine, which is neutral and non-polar, with threonine, which is neutral and polar, at codon 279 of the PRKDC protein (p.Ala279Thr). This variant is present in population databases (no rsID available, gnomAD 0.06%). This variant has not been reported in the literature in individuals affected with PRKDC-related conditions. ClinVar contains an entry for this variant (Variation ID: 1047418). Experimental studies and prediction algorithms are not available or were not evaluated, and the functional significance of this variant is currently unknown. In summary, the available evidence is currently insufficient to determine the role of this variant in disease. Therefore, it has been classified as a Variant of Uncertain Significance.

Ambry Genetics
Classification: Uncertain significance. Last evaluated: 2021-09-11. Review status: criteria provided, single submitter. Criteria: Ambry Variant Classification Scheme 2023. Collection method: clinical testing. Allele origin: germline.
Comment: The p.A279T variant (also known as c.835G>A), located in coding exon 10 of the PRKDC gene, results from a G to A substitution at nucleotide position 835. The alanine at codon 279 is replaced by threonine, an amino acid with similar properties. This amino acid position is conserved. In addition, this alteration is predicted to be tolerated by in silico analysis. Since supporting evidence is limited at this time, the clinical significance of this alteration remains unclear.